The following is an entry in ClinVar:

NM_000093.5(COL5A1):c.583G>A (p.Asp195Asn)

Gene: COL5A1 (collagen type V alpha 1 chain; plus strand). Cytogenetic location: 9q34.3.
Variant type: single nucleotide variant.
Coding change: c.583G>A on transcript NM_000093.5 (MANE Select); coding-DNA position 583, G replaced by A.
Protein change: p.Asp195Asn; replaces aspartic acid 195 with asparagine.
Molecular consequence: missense variant.
Genome position (GRCh38, 1-based): chr9:134,701,262, G>A. VCF-style: chr9-134701262-G-A. GRCh37 (hg19) VCF-style: chr9-137593108-G-A.
Other names: c.583G>A, p.Asp195Asn (NM_001278074.1); short protein forms D195N.
Identifiers: ClinVar variation 487462 (VCV000487462.15), dbSNP rs781248560, ClinGen allele CA5318356.

ClinVar aggregate classification (germline): Conflicting classifications of pathogenicity. Review status: criteria provided, conflicting classifications (1 of 4 stars). 4 submissions from 4 submitters: Uncertain significance (3); Benign (1). Last evaluated 2025-10-14.

Conditions:
Ehlers-Danlos syndrome, classic type, 1 (EDSCL1). Also called: EHLERS-DANLOS SYNDROME, GRAVIS TYPE; EHLERS-DANLOS SYNDROME, SEVERE CLASSIC TYPE; EDS I; Ehlers-Danlos Syndrome, Classic Type, COL5A1-Related; Ehlers-Danlos syndrome, type 1. Identifiers: MedGen C0268335, MONDO:0019567, OMIM 130000.
Ehlers-Danlos syndrome, classic type (cEDS). Identifiers: Orphanet 287, MedGen C4225429, MONDO:0007522.
Familial thoracic aortic aneurysm and aortic dissection (TAAD). Also called: Thoracic aortic aneurysms and dissections. Identifiers: Orphanet 91387, MedGen C4707243, MONDO:0019625.

Allele frequency attached by ClinVar (database versions not stated): TOPMed 0.00002; ExAC 0.00001; gnomAD exomes 0.00002.
gnomAD v4.1: 30 of 1,613,840 alleles (0.0019%); highest among the groups gnomAD compares: Non-Finnish European, 0.0025%; no homozygotes.

Submissions (4):

Labcorp Genetics (formerly Invitae), Labcorp
Classification: Benign for Ehlers-Danlos syndrome, classic type, 1. Last evaluated: 2025-10-14. Review status: criteria provided, single submitter. Criteria: Invitae Variant Classification Sherloc (09022015). Collection method: clinical testing. Allele origin: germline.

GeneDx
Classification: Uncertain significance. Last evaluated: 2023-05-02. Review status: criteria provided, single submitter. Criteria: GeneDx Variant Classification Process June 2021. Collection method: clinical testing. Allele origin: germline. Affected: yes.
Comment: Has not been previously published as pathogenic or benign to our knowledge; Not observed at significant frequency in large population cohorts (gnomAD); In silico analysis supports that this missense variant does not alter protein structure/function; Not located in the triple helical region, where the majority of pathogenic missense variants occur (Symoens et al., 2012; HGMD)

Ambry Genetics
Classification: Uncertain significance for Familial thoracic aortic aneurysm and aortic dissection. Last evaluated: 2018-07-06. Review status: criteria provided, single submitter. Criteria: Ambry Variant Classification Scheme 2023. Collection method: clinical testing. Allele origin: germline.
Comment: The p.D195N variant (also known as c.583G>A), located in coding exon 4 of the COL5A1 gene, results from a G to A substitution at nucleotide position 583. The aspartic acid at codon 195 is replaced by asparagine, an amino acid with highly similar properties. This amino acid position is not well conserved in available vertebrate species. In addition, this alteration is predicted to be tolerated by in silico analysis. Since supporting evidence is limited at this time, the clinical significance of this alteration remains unclear.

Center for Genomics, Ann and Robert H. Lurie Children's Hospital of Chicago
Classification: Uncertain significance for Ehlers-Danlos syndrome, classic type, 1. Last evaluated: 2017-08-01. Review status: criteria provided, single submitter. Criteria: ACMG Guidelines, 2015. Collection method: clinical testing. Allele origin: germline.
Comment: COL5A1 NM_000093.4 exon 4 p.Asp195Asn (c.583G>A): This variant has not been reported in the literature but is present in 5/111294 European individuals in the Genome Aggregation Database. Evolutionary conservation and computational predictive tools suggest that this variant may not impact the protein. Of note, 5 other species (Gibbon, Dolphin, Killer Whale, Coelacanth, Zebrafish) carry this variant amino acid. In summary, data on this variant is insufficient for disease classification. Therefore, the clinical significance of this variant is uncertain.